The following is an entry in ClinVar:

ClinVar aggregate classification (germline): Likely pathogenic (1 of 4 stars; one submission).

Conditions:
Glycogen storage disease type III (GSD3). Also called: FORBES DISEASE; Cori disease. Identifiers: Orphanet 366, MedGen C0017922, MONDO:0009291, OMIM 232400.

Submission:

Myriad Genetics, Inc.
Classification: Likely pathogenic for Glycogen storage disease type III. Last evaluated: 2022-03-01. Review status: criteria provided, single submitter. Criteria: Myriad Women's Health Autosomal Recessive and X-Linked Classification Criteria (2021). Collection method: clinical testing. Allele origin: unknown.
Comment: NM_000642.2(AGL):c.337_338delTT(L113Tfs*5) is expected to be pathogenic in the context of glycogen storage disease type III. This variant is predicted to lead to an abnormal or absent protein product due to the creation of a premature termination codon in AGL, a gene where loss-of-function variants are known to be pathogenic. Please note: this variant was assessed in the context of healthy population screening.

NM_000642.3(AGL):c.337_338del (p.Leu113fs)

Gene: AGL (amylo-alpha-1,6-glucosidase and 4-alpha-glucanotransferase; plus strand). Cytogenetic location: 1p21.2.
Variant type: Deletion.
Coding change: c.337_338del on transcript NM_000642.3 (MANE Select); coding-DNA positions 337 to 338, 2 bases deleted (TT; older notation c.337_338delTT).
Protein change: p.Leu113fs; shifts the reading frame from leucine 113.
Molecular consequence: frameshift variant.
Genome position (GRCh38, 1-based): chr1:99,862,300-99,862,301, TT deleted; deleting any 2 consecutive bases within chr1:99,862,298-99,862,301 gives the same sequence; the c. name uses the placement nearest the transcript's 3' end. VCF-style (leftmost placement, unchanged base first): chr1-99862297-ATT-A. GRCh37 (hg19) VCF-style: chr1-100327853-ATT-A.
Other names: c.337_338delTT, p.Leu113Thrfs (NM_000028.3, NM_000643.3, NM_000644.3 and 5 more transcripts); c.289_290delTT, p.Leu97Thrfs (NM_000646.3); short protein forms L113fs, L97fs.
Identifiers: ClinVar variation 1724843 (VCV001724843.2), dbSNP rs2524498268, ClinGen allele CA2580063354.